The following is an entry in ClinVar:

NM_004656.4(BAP1):c.1770A>T (p.Gln590His)

Gene: BAP1 (BRCA1 associated deubiquitinase 1; minus strand). Cytogenetic location: 3p21.1.
Variant type: single nucleotide variant.
Coding change: c.1770A>T on transcript NM_004656.4 (MANE Select); coding-DNA position 1770, A replaced by T.
Protein change: p.Gln590His; replaces glutamine 590 with histidine.
Molecular consequence: missense variant.
Genome position (GRCh38, 1-based): chr3:52,403,258, T>A on the plus strand (A>T on the coding strand, the complement: BAP1 is on the minus strand). VCF-style: chr3-52403258-T-A. GRCh37 (hg19) VCF-style: chr3-52437274-T-A.
Other names: c.1770A>T (NM_004656.2); short protein forms Q590H.
Identifiers: ClinVar variation 924328 (VCV000924328.11), dbSNP rs1705027042, ClinGen allele CA353098995.

ClinVar aggregate classification (germline): Uncertain significance. Review status: criteria provided, multiple submitters, no conflicts (2 of 4 stars). 3 submissions from 3 submitters: Uncertain significance (3). Last evaluated 2024-03-06.

Conditions:
Hereditary cancer-predisposing syndrome. Also called: Neoplastic Syndromes, Hereditary; Tumor predisposition; Hereditary Cancer Syndrome; Hereditary neoplastic syndrome. Identifiers: Orphanet 140162, MedGen C0027672, MeSH D009386, MONDO:0015356.
BAP1-related tumor predisposition syndrome (TPDS1). Also called: Tumor susceptibility linked to germline BAP1 mutations; COMMON Syndrome; TUMOR PREDISPOSITION SYNDROME 1; BAP1 tumor predisposition syndrome. Identifiers: Orphanet 289539, MedGen C3280492, MONDO:0013692, OMIM 614327.

Submissions (3):

Color Diagnostics, LLC DBA Color Health
Classification: Uncertain significance for Hereditary cancer-predisposing syndrome. Last evaluated: 2024-03-06. Review status: criteria provided, single submitter. Criteria: ACMG Guidelines, 2015. Collection method: clinical testing. Allele origin: germline.
Comment: This missense variant replaces glutamine with histidine at codon 590 of the BAP1 protein. Computational prediction suggests that this variant may not impact protein structure and function (internally defined REVEL score threshold <= 0.5, PMID: 27666373). To our knowledge, functional studies have not been reported for this variant. This variant has not been reported in individuals affected with hereditary cancer in the literature. This variant has not been identified in the general population by the Genome Aggregation Database (gnomAD). The available evidence is insufficient to determine the role of this variant in disease conclusively. Therefore, this variant is classified as a Variant of Uncertain Significance.

Ambry Genetics
Classification: Uncertain significance for Hereditary cancer-predisposing syndrome. Last evaluated: 2023-02-28. Review status: criteria provided, single submitter. Criteria: Ambry Variant Classification Scheme 2023. Collection method: clinical testing. Allele origin: germline.
Comment: The p.Q590H variant (also known as c.1770A>T), located in coding exon 14 of the BAP1 gene, results from an A to T substitution at nucleotide position 1770. The glutamine at codon 590 is replaced by histidine, an amino acid with highly similar properties. This amino acid position is conserved. In addition, this alteration is predicted to be tolerated by in silico analysis. Since supporting evidence is limited at this time, the clinical significance of this alteration remains unclear.

Labcorp Genetics (formerly Invitae), Labcorp
Classification: Uncertain significance for BAP1-related tumor predisposition syndrome. Last evaluated: 2022-08-08. Review status: criteria provided, single submitter. Criteria: Invitae Variant Classification Sherloc (09022015). Collection method: clinical testing. Allele origin: germline.
Comment: This variant has not been reported in the literature in individuals affected with BAP1-related conditions. In summary, the available evidence is currently insufficient to determine the role of this variant in disease. Therefore, it has been classified as a Variant of Uncertain Significance. Algorithms developed to predict the effect of missense changes on protein structure and function output the following: SIFT: "Tolerated"; PolyPhen-2: "Benign"; Align-GVGD: "Class C0". The histidine amino acid residue is found in multiple mammalian species, which suggests that this missense change does not adversely affect protein function. ClinVar contains an entry for this variant (Variation ID: 924328). This variant is not present in population databases (gnomAD no frequency). This sequence change replaces glutamine, which is neutral and polar, with histidine, which is basic and polar, at codon 590 of the BAP1 protein (p.Gln590His).